The following is an entry in ClinVar:

NM_000455.5(STK11):c.298C>G (p.Gln100Glu)

Gene: STK11 (serine/threonine kinase 11; plus strand). Cytogenetic location: 19p13.3.
Variant type: single nucleotide variant.
Coding change: c.298C>G on transcript NM_000455.5 (MANE Select); coding-DNA position 298, C replaced by G.
Protein change: p.Gln100Glu; replaces glutamine 100 with glutamic acid.
Molecular consequence: missense variant.
Genome position (GRCh38, 1-based): chr19:1,218,424, C>G. VCF-style: chr19-1218424-C-G. GRCh37 (hg19) VCF-style: chr19-1218423-C-G.
Other names: short protein forms Q100E.
Identifiers: ClinVar variation 527836 (VCV000527836.23), dbSNP rs757841535, ClinGen allele CA046976.

ClinVar aggregate classification (germline): Conflicting classifications of pathogenicity. Review status: criteria provided, conflicting classifications (1 of 4 stars). 6 submissions from 6 submitters: Uncertain significance (4); Likely benign (2). Last evaluated 2025-12-23.

Conditions:
Hereditary cancer-predisposing syndrome. Also called: Neoplastic Syndromes, Hereditary; Tumor predisposition; Hereditary neoplastic syndrome; Hereditary Cancer Syndrome. Identifiers: Orphanet 140162, MedGen C0027672, MeSH D009386, MONDO:0015356.
Peutz-Jeghers syndrome (PJS). Also called: POLYPOSIS, HAMARTOMATOUS INTESTINAL; POLYPS-AND-SPOTS SYNDROME; Peutz-Jeghers polyposis; Periorificial lentiginosis syndrome. Identifiers: Orphanet 2869, MedGen C0031269, MeSH D010580, MONDO:0008280, OMIM 175200.

Allele frequency attached by ClinVar (database versions not stated): gnomAD exomes below 0.00001; ExAC 0.00001; TOPMed 0.00002; gnomAD 0.00003 and 0.00004.
gnomAD v4.1: 6 of 1,613,392 alleles (0.00037%); highest among the groups gnomAD compares: African/African-American, 0.0053%; no homozygotes.

Submissions (6):

Labcorp Genetics (formerly Invitae), Labcorp
Classification: Likely benign for Peutz-Jeghers syndrome. Last evaluated: 2025-12-23. Review status: criteria provided, single submitter. Criteria: Invitae Variant Classification Sherloc (09022015). Collection method: clinical testing. Allele origin: germline.

Color Diagnostics, LLC DBA Color Health
Classification: Uncertain significance for Hereditary cancer-predisposing syndrome. Last evaluated: 2024-03-06. Review status: criteria provided, single submitter. Criteria: ACMG Guidelines, 2015. Collection method: clinical testing. Allele origin: germline.
Comment: This missense variant replaces glutamine with glutamic acid at codon 100 of the STK11 protein. Computational prediction suggests that this variant may not impact protein structure and function (internally defined REVEL score threshold <= 0.5, PMID: 27666373). To our knowledge, functional studies have not been reported for this variant. This variant has not been reported in individuals affected with hereditary cancer in the literature. This variant has been identified in 3/280516 chromosomes in the general population by the Genome Aggregation Database (gnomAD). The available evidence is insufficient to determine the role of this variant in disease conclusively. Therefore, this variant is classified as a Variant of Uncertain Significance.

Sema4
Classification: Uncertain significance for Hereditary cancer-predisposing syndrome. Last evaluated: 2022-02-05. Review status: criteria provided, single submitter. Criteria: Sema4 Curation Guidelines. Collection method: curation. Allele origin: germline.
Comment: The STK11 c.298C>G (p.Q100E) variant has not been reported in the literature to our knowledge. This variant was observed in 3/24190 chromosomes in the African/African American population, according to the Genome Aggregation Database (PMID: 32461654). The variant has been reported in ClinVar (Variation ID: 527836). Functional studies have not been performed, and in silico predictions of the variant's effect on protein function are inconclusive. The evidence is insufficient to meet ACMG/AMP criteria for classifying the variant as benign or pathogenic. Thus, the clinical significance of this variant is currently uncertain.

Genome-Nilou Lab
Classification: Uncertain significance for Peutz-Jeghers syndrome. Last evaluated: 2021-07-15. Review status: criteria provided, single submitter. Criteria: ACMG Guidelines, 2015. Collection method: clinical testing. Allele origin: germline. Affected: no.

Ambry Genetics
Classification: Likely benign for Hereditary cancer-predisposing syndrome. Last evaluated: 2021-04-22. Review status: criteria provided, single submitter. Criteria: Ambry Variant Classification Scheme 2023. Collection method: clinical testing. Allele origin: germline.

Women's Health and Genetics/Laboratory Corporation of America, LabCorp
Classification: Uncertain significance. Last evaluated: 2018-12-14. Review status: criteria provided, single submitter. Criteria: LabCorp Variant Classification Summary - May 2015. Collection method: clinical testing. Allele origin: germline.
Comment: Variant summary: STK11 c.298C>G (p.Gln100Glu) results in a conservative amino acid change located in the Protein kinase domain of the encoded protein sequence. Four of five in-silico tools predict a benign effect of the variant on protein function. The variant allele was found at a frequency of 1.1e-05 in 277144 control chromosomes (gnomAD). The available data on variant occurrences in the general population are insufficient to allow any conclusion about variant significance. To our knowledge, no occurrence of c.298C>G in individuals affected with Peutz-Jeghers Syndrome and no experimental evidence demonstrating its impact on protein function have been reported. A ClinVar submission from a clinical diagnostic laboratory (evaluation after 2014) cites the variant as uncertain significance. Based on the evidence outlined above, the variant was classified as uncertain significance.